The following is an entry in ClinVar:

ClinVar aggregate classification (germline): Conflicting classifications of pathogenicity. Review status: criteria provided, conflicting classifications (1 of 4 stars). 2 submissions from 2 submitters: Likely pathogenic (1); Uncertain significance (1). Last evaluated 2024-08-20.

Conditions:
Inborn genetic diseases. Identifiers: MedGen C0950123, MeSH D030342.

Submissions (2):

GeneDx
Classification: Uncertain significance. Last evaluated: 2024-08-20. Review status: criteria provided, single submitter. Criteria: GeneDx Variant Classification Process June 2021. Collection method: clinical testing. Allele origin: germline. Affected: yes.
Comment: Not observed at significant frequency in large population cohorts (gnomAD); In silico analysis supports that this missense variant has a deleterious effect on protein structure/function; Has not been previously published as pathogenic or benign to our knowledge

Ambry Genetics
Classification: Likely pathogenic for Inborn genetic diseases. Last evaluated: 2017-05-02. Review status: criteria provided, single submitter. Criteria: Ambry exome assertion method (8-5-2015). Collection method: clinical testing. Allele origin: germline. Affected: yes. Observed: 1 variant allele.

NM_020435.4(GJC2):c.679T>A (p.Phe227Ile)

Gene: GJC2 (gap junction protein gamma 2; plus strand). Cytogenetic location: 1q42.13.
Variant type: single nucleotide variant.
Coding change: c.679T>A on transcript NM_020435.4 (MANE Select); coding-DNA position 679, T replaced by A.
Protein change: p.Phe227Ile; replaces phenylalanine 227 with isoleucine.
Molecular consequence: missense variant.
Genome position (GRCh38, 1-based): chr1:228,158,437, T>A. VCF-style: chr1-228158437-T-A. GRCh37 (hg19) VCF-style: chr1-228346138-T-A.
Other names: short protein forms F227I.
Identifiers: ClinVar variation 521638 (VCV000521638.5), dbSNP rs1553262546, ClinGen allele CA345098982.
Genomic context (GRCh38, chr1:228,158,437, plus strand): 5'-GAGGGCCTGATGCGCGTGTACGTGGCCCAGCTGGTGGCCAGGGCAGCTTTCGAGGTGGCC[T>A]TCCTGGTGGGCCAGTACCTGCTGTACGGCTTCGAGGTGCGACCGTTCTTTCCCTGCAGCC-3'
Protein context (NP_065168.2, residues 217-237): LVARAAFEVA[Phe227Ile]LVGQYLLYGF